The following is an entry in ClinVar:

NM_000018.4(ACADVL):c.1434G>A (p.Met478Ile)

Gene: ACADVL (acyl-CoA dehydrogenase very long chain; plus strand). Cytogenetic location: 17p13.1.
Variant type: single nucleotide variant.
Coding change: c.1434G>A on transcript NM_000018.4 (MANE Select); coding-DNA position 1434, G replaced by A.
Protein change: p.Met478Ile; replaces methionine 478 with isoleucine.
Molecular consequence: missense variant.
Genome position (GRCh38, 1-based): chr17:7,224,069, G>A. VCF-style: chr17-7224069-G-A. GRCh37 (hg19) VCF-style: chr17-7127388-G-A.
Other names: NM_000018.4(ACADVL):c.1434G>A; p.Met478Ile; c.1368G>A, p.Met456Ile (NM_001033859.3); c.1503G>A, p.Met501Ile (NM_001270447.2); c.1206G>A, p.Met402Ile (NM_001270448.2); short protein forms M478I, M456I, M402I, M501I.
Identifiers: ClinVar variation 429246 (VCV000429246.34), dbSNP rs775537775, ClinGen allele CA8338099.

ClinVar aggregate classification (germline): Likely pathogenic. Review status: reviewed by expert panel (3 of 4 stars). 13 submissions from 13 submitters: Likely pathogenic (1). 12 of the submissions do not count toward it. Last evaluated 2025-08-12.

Conditions:
ACADVL-related disorder. Also called: ACADVL-related condition.
Very long chain acyl-CoA dehydrogenase deficiency (ACADVLD). Also called: Very Long-Chain Acyl-Coenzyme A Dehydrogenase Deficiency; VLCAD Deficiency. Identifiers: Orphanet 26793, MedGen C3887523, MONDO:0008723, OMIM 201475.

Allele frequency attached by ClinVar (database versions not stated): gnomAD exomes 0.00003 and 0.00014; gnomAD 0.00006; TOPMed 0.00009; ExAC 0.00015.
gnomAD v4.1: 47 of 1,613,992 alleles (0.0029%); highest among the groups gnomAD compares: East Asian, 0.096%; no homozygotes.

Submissions 1 to 9 of 14:

ClinGen ACADVL Variant Curation Expert Panel, ClinGen
Classification: Likely pathogenic for Very long chain acyl-CoA dehydrogenase deficiency. Last evaluated: 2025-08-12. Review status: reviewed by expert panel. Criteria: clingen acadvl acmg specifications v1. Collection method: curation. Allele origin: germline. Inheritance: Autosomal recessive inheritance.
Comment: The c.1434G>A variant in ACADVL is a missense variant predicted to cause substitution of Methionine by Isoleucine at amino acid 478 (p.Met478Ile). The highest population minor allele frequency in gnomAD v4.1 is 0.0009 in East Asian population, which is lower than the ClinGen ACADVL Variant Curation Expert Panel threshold (<0.001) for PM2_Supporting, meeting this criterion (PM2_Supporting). The computational predictor REVEL gives a score of 0.457, which is neither above nor below the thresholds predicting a damaging or benign impact on ACADVL function. This variant does not reside within a region of ACADVL that is defined as a mutational hotspot or critical functional domain by the ClinGen ACADVL Variant Curation Expert Panel. At least 14 patients with this variant displayed abnormal enzyme levels and NBS, which is highly specific for very long chain acyl-CoA dehydrogenase deficiency (PMID: 38390979, 32710939). This variant has been detected in 14 individuals with very long chain acyl CoA dehydrogenase (VLCAD) deficiency. Of those individuals, 6 were compound heterozygous for the variant and distinct pathogenic or likely pathogenic variants (PM3: 2.0 points, PMIDs:38390979, 32710939, PM3_strong). In summary, this variant meets the criteria to be classified as likely pathogenic for autosomal recessive very long chain acyl-CoA dehydrogenase (VLCAD) deficiency based on the ACMG/AMP criteria applied, as specified by the ClinGen ACADVL Variant Curation Expert Panel: PM3_Strong, PP4_moderate, PM2_supporting (ACADVL VCEP specifications version 2; approved May 1, 2025).

Labcorp Genetics (formerly Invitae), Labcorp
Classification: Pathogenic for Very long chain acyl-CoA dehydrogenase deficiency. Last evaluated: 2026-02-01. Review status: criteria provided, single submitter. Criteria: Invitae Variant Classification Sherloc (09022015). Collection method: clinical testing. Allele origin: germline. Not counted in ClinVar's aggregate classification.
Comment: This sequence change replaces methionine, which is neutral and non-polar, with isoleucine, which is neutral and non-polar, at codon 478 of the ACADVL protein (p.Met478Ile). This variant also falls at the last nucleotide of exon 14, which is part of the consensus splice site for this exon. This variant is present in population databases (rs775537775, gnomAD 0.2%). This missense change has been observed in individual(s) with very long chain acyl-CoA dehydrogenase deficiency (internal data). ClinVar contains an entry for this variant (Variation ID: 429246). An algorithm developed to predict the effect of missense changes on protein structure and function (PolyPhen-2) suggests that this variant is likely to be tolerated. Variants that disrupt the consensus splice site are a relatively common cause of aberrant splicing (PMID: 17576681, 9536098). Algorithms developed to predict the effect of sequence changes on RNA splicing suggest that this variant may disrupt the consensus splice site. For these reasons, this variant has been classified as Pathogenic.

Myriad Genetics, Inc.
Classification: Likely pathogenic for Very long chain acyl-CoA dehydrogenase deficiency. Last evaluated: 2025-12-03. Review status: criteria provided, single submitter. Criteria: Myriad Autosomal Dominant, Autosomal Recessive and X-Linked Classification Criteria (2023). Collection method: clinical testing. Allele origin: unknown. Not counted in ClinVar's aggregate classification.
Comment: NM_000018.3(ACADVL):c.1434G>A(M478I) is a missense variant classified as likely pathogenic in the context of very-long-chain acyl-CoA dehydrogenase deficiency. M478I has been observed in cases with relevant disease (PMID: 32710939, 38390979). Relevant functional assessments of this variant are not available in the literature. M478I has been observed in referenced population frequency databases. In summary, NM_000018.3(ACADVL):c.1434G>A(M478I) is a missense variant that has been observed more frequently in cases with the relevant disease than in healthy populations. Please note: this variant was assessed in the context of healthy population screening.

Natera, Inc.
Classification: Likely pathogenic for Very long chain acyl-CoA dehydrogenase deficiency. Last evaluated: 2025-07-05. Review status: criteria provided, single submitter. Criteria: Natera Variant Classification Schema (03/2026). Collection method: clinical testing. Allele origin: germline. Not counted in ClinVar's aggregate classification.
Comment: The c.1434G>A variant in ACADVL is a missense variant predicted to cause substitution of methionine to isoleucine at amino acid 478. This variant is rare in the general population with a frequency below the threshold expected for the associated phenotype(s). This variant has been observed in one or more individuals affected with the associated recessive disease, as either homozygous or compound heterozygous with a second variant (PMID: 35400565, 32710939). Given the available evidence, this variant is classified as Likely Pathogenic.

Women's Health and Genetics/Laboratory Corporation of America, LabCorp
Classification: Pathogenic for Very long chain acyl-CoA dehydrogenase deficiency. Last evaluated: 2025-05-21. Review status: criteria provided, single submitter. Criteria: LabCorp Variant Classification Summary - May 2015. Collection method: clinical testing. Allele origin: germline. Not counted in ClinVar's aggregate classification.
Comment: Variant summary: ACADVL c.1434G>A (p.Met478Ile) results in a conservative amino acid change in the encoded protein sequence. Algorithms developed to predict the effect of missense changes on protein structure and function are either unavailable or do not agree on the potential impact of this missense change. This variant falls to the last nucleotide of exon 14, therefore also might affect splicing. Several computational tools predict a significant impact on normal splicing: Four predict the variant weakens a 5' donor site. However, these predictions have yet to be confirmed by functional studies. The variant allele was found at a frequency of 0.00014 in 251358 control chromosomes, predominantly at a frequency of 0.002 within the East Asian subpopulation in the gnomAD database. This frequency is not significantly higher than estimated for a pathogenic variant in ACADVL causing Very Long Chain Acyl-CoA Dehydrogenase Deficiency (0.0029), allowing no conclusion about variant significance. c.1434G>A has been observed in multiple individuals affected with Very Long Chain Acyl-CoA Dehydrogenase Deficiency (e.g. Lin_2020, Osawa_2022, Lin_2024, Tajima_2024). These data indicate that the variant is very likely to be associated with disease. At least one of these publications reported that 4 subjects who were compound heterozygotes of p.M478I showed 12-24% VLCAD activity (compared to normal) when measuring the enzyme in their lymphocytes (Osawa_2022). The following publications have been ascertained in the context of this evaluation (PMID: 32710939, 35400565, 38187300, 38390979). ClinVar contains an entry for this variant (Variation ID: 429246). Based on the evidence outlined above, the variant was classified as pathogenic.

Variantyx, Inc.
Classification: Likely pathogenic for Very long chain acyl-CoA dehydrogenase deficiency. Last evaluated: 2025-04-29. Review status: criteria provided, single submitter. Criteria: Variantyx Assertion Criteria 2022. Collection method: clinical testing. Allele origin: germline. Inheritance: Autosomal recessive inheritance. Affected: no. Not counted in ClinVar's aggregate classification.
Comment: This is a nonsynonymous variant in the ACADVL gene (OMIM: 609575). Pathogenic variants in this gene have been associated with autosomal recessive very long-chain acyl-CoA dehydrogenase deficiency. The clinical symptoms reported for this individual are highly specific for autosomal recessive very long-chain acyl-CoA dehydrogenase deficiency, which has a limited genetic etiology (PP4). This variant has been identified in the homozygous or compound heterozygous state in at least two individuals reported in the published literature (PMID: 32710939, Labcorp, personal communication) (PM3). Algorithms that predict the potential impact of sequence variants on RNA splicing suggest that this variant may disrupt normal splicing (PP3). An alternate splice change at the same splice site (c.1434+2T>G;NM_000018.4) has been reported in ClinVar (PS1_supporting). This variant has a 0.0958% maximum allele frequency in non-founder control populations (PM2). Based on the current evidence, this variant is classified as likely pathogenic for autosomal recessive very long-chain acyl-CoA dehydrogenase deficiency.

Fulgent Genetics
Classification: Pathogenic for Very long chain acyl-CoA dehydrogenase deficiency. Last evaluated: 2024-04-24. Review status: criteria provided, single submitter. Criteria: ACMG Guidelines, 2015. Collection method: clinical testing. Allele origin: germline. Not counted in ClinVar's aggregate classification.

Baylor Genetics
Classification: Pathogenic for Very long chain acyl-CoA dehydrogenase deficiency. Last evaluated: 2024-03-30. Review status: criteria provided, single submitter. Criteria: ACMG Guidelines, 2015. Collection method: clinical testing. Allele origin: unknown. Not counted in ClinVar's aggregate classification.

Blueprint Genetics
Classification: Likely pathogenic for ACADVL-related disorders. Last evaluated: 2024-03-15. Review status: criteria provided, single submitter. Criteria: ACMG Guidelines, 2015. Collection method: clinical testing. Allele origin: germline. Affected: yes. Observed: 3 variant alleles. Not counted in ClinVar's aggregate classification.